The following is an entry in ClinVar:

ClinVar aggregate classification (germline): Uncertain significance. Review status: criteria provided, multiple submitters, no conflicts (2 of 4 stars). 2 submissions from 2 submitters: Uncertain significance (2). Last evaluated 2024-05-22.

Conditions:
Paget disease of bone 2, early-onset (PDB2). Also called: Paget disease of bone 2. Identifiers: MedGen C4085251, MONDO:0011183, OMIM 602080.
Frontotemporal dementia and/or amyotrophic lateral sclerosis 1 (FTDALS1). Also called: Frontotemporal dementia with motor neuron disease 1; C9orf72 Frontotemporal Dementia and/or Amyotrophic Lateral Sclerosis. Identifiers: Orphanet 275872, MedGen C5779877, MONDO:0007105, OMIM 105550.

Allele frequency attached by ClinVar (database versions not stated): gnomAD exomes below 0.00001; ExAC 0.00001.

Submissions (2):

Mayo Clinic Laboratories, Mayo Clinic
Classification: Uncertain significance. Last evaluated: 2024-05-22. Review status: criteria provided, single submitter. Criteria: ACMG Guidelines, 2015. Collection method: clinical testing. Allele origin: germline. Observed: 1 variant allele.
Comment: PP3

Labcorp Genetics (formerly Invitae), Labcorp
Classification: Uncertain significance for Paget disease of bone 2, early-onset; Frontotemporal dementia and/or amyotrophic lateral sclerosis 1. Last evaluated: 2022-06-20. Review status: criteria provided, single submitter. Criteria: Invitae Variant Classification Sherloc (09022015). Collection method: clinical testing. Allele origin: germline.
Comment: This sequence change replaces threonine, which is neutral and polar, with proline, which is neutral and non-polar, at codon 430 of the SQSTM1 protein (p.Thr430Pro). This missense change has been observed in individual(s) with frontotemporal lobar degeneration (PMID: 24899140). Algorithms developed to predict the effect of missense changes on protein structure and function (SIFT, PolyPhen-2, Align-GVGD) all suggest that this variant is likely to be tolerated. In summary, the available evidence is currently insufficient to determine the role of this variant in disease. Therefore, it has been classified as a Variant of Uncertain Significance. The frequency data for this variant in the population databases is considered unreliable, as metrics indicate poor data quality at this position in the gnomAD database.

Literature cited by the submitters: PubMed 24899140 (cited by Mayo Clinic Laboratories, Mayo Clinic and Labcorp Genetics (formerly Invitae), Labcorp); PubMed 27163810 (cited by Mayo Clinic Laboratories, Mayo Clinic); PubMed 35240373 (cited by Mayo Clinic Laboratories, Mayo Clinic).

NM_003900.5(SQSTM1):c.1288A>C (p.Thr430Pro)

Gene: SQSTM1 (sequestosome 1; plus strand). Cytogenetic location: 5q35.3.
Variant type: single nucleotide variant.
Coding change: c.1288A>C on transcript NM_003900.5 (MANE Select); coding-DNA position 1288, A replaced by C.
Protein change: p.Thr430Pro; replaces threonine 430 with proline.
Molecular consequence: missense variant.
Genome position (GRCh38, 1-based): chr5:179,836,558, A>C. VCF-style: chr5-179836558-A-C. GRCh37 (hg19) VCF-style: chr5-179263558-A-C.
Other names: p.Thr430Pro; c.1036A>C, p.Thr346Pro (NM_001142298.2, NM_001142299.2); short protein forms T346P, T430P.
Identifiers: ClinVar variation 1434014 (VCV001434014.9), dbSNP rs770118706, ClinGen allele CA3600882.